The following is an entry in ClinVar:

ClinVar aggregate classification (germline): Benign. Review status: criteria provided, multiple submitters, no conflicts (2 of 4 stars). 5 submissions from 5 submitters: Benign (5). Last evaluated 2026-02-03.

Conditions:
Metaphyseal anadysplasia 2 (MANDP2). Also called: Metaphyseal anadysplasia 2, autosomal recessive. Identifiers: Orphanet 1040, MedGen C2751322, MONDO:0013113, OMIM 613073.

Allele frequency attached by ClinVar (database versions not stated): TOPMed 0.13865; ESP Exome Variant Server 0.14186; gnomAD 0.14320 and 0.14640; gnomAD exomes 0.14552 and 0.14785; ExAC 0.14886; 1000 Genomes Project 30x 0.16037; 1000 Genomes Project 0.16514.

Submissions (5):

Labcorp Genetics (formerly Invitae), Labcorp
Classification: Benign. Last evaluated: 2026-02-03. Review status: criteria provided, single submitter. Criteria: Invitae Variant Classification Sherloc (09022015). Collection method: clinical testing. Allele origin: germline.

Genome-Nilou Lab
Classification: Benign for Metaphyseal anadysplasia 2. Last evaluated: 2021-09-05. Review status: criteria provided, single submitter. Criteria: ACMG Guidelines, 2015. Collection method: clinical testing. Allele origin: germline. Affected: no.

GeneDx
Classification: Benign. Last evaluated: 2018-11-12. Review status: criteria provided, single submitter. Criteria: GeneDx Variant Classification Process June 2021. Collection method: clinical testing. Allele origin: germline. Affected: yes.

Illumina Laboratory Services, Illumina
Classification: Benign for Metaphyseal anadysplasia 2. Last evaluated: 2018-01-13. Review status: criteria provided, single submitter. Criteria: ICSL Variant Classification Criteria 13 December 2019. Collection method: clinical testing. Allele origin: germline.
Comment: This variant was observed in the ICSL laboratory as part of a predisposition screen in an ostensibly healthy population. It had not been previously curated by ICSL or reported in the Human Gene Mutation Database (HGMD: prior to June 1st, 2018), and was therefore a candidate for classification through an automated scoring system. Utilizing variant allele frequency, disease prevalence and penetrance estimates, and inheritance mode, an automated score was calculated to assess if this variant is too frequent to cause the disease. Based on the score and internal cut-off values, a variant classified as benign is not then subjected to further curation. The score for this variant resulted in a classification of benign for this disease.

Breakthrough Genomics
Classification: Benign. Review status: criteria provided, single submitter. Criteria: ACMG Guidelines, 2015. Collection method: not provided. Allele origin: germline. Inheritance: Autosomal recessive inheritance. Affected: yes.

NM_004994.3(MMP9):c.2082G>A (p.Val694=)

Genes: MMP9 (matrix metallopeptidase 9; plus strand), SLC12A5-AS1 (SLC12A5 and MMP9 antisense RNA 1; minus strand). Cytogenetic location: 20q13.12.
Variant type: single nucleotide variant.
Coding change: c.2082G>A on transcript NM_004994.3 (MANE Select); coding-DNA position 2082, G replaced by A.
Protein change: p.Val694=; no amino-acid change (valine 694 retained).
Molecular consequence: synonymous variant.
Genome position (GRCh38, 1-based): chr20:46,016,326, G>A. VCF-style: chr20-46016326-G-A. GRCh37 (hg19) VCF-style: chr20-44644965-G-A.
Identifiers: ClinVar variation 338561 (VCV000338561.19), dbSNP rs13925, ClinGen allele CA9886897.